The following is an entry in ClinVar:

ClinVar aggregate classification (germline): Uncertain significance (1 of 4 stars; one submission).

Allele frequency attached by ClinVar (database versions not stated): gnomAD exomes below 0.00001.

Submission:

Labcorp Genetics (formerly Invitae), Labcorp
Classification: Uncertain significance. Last evaluated: 2023-10-13. Review status: criteria provided, single submitter. Criteria: Invitae Variant Classification Sherloc (09022015). Collection method: clinical testing. Allele origin: germline.
Comment: This sequence change replaces methionine, which is neutral and non-polar, with isoleucine, which is neutral and non-polar, at codon 140 of the NDUFB8 protein (p.Met140Ile). This variant is not present in population databases (gnomAD no frequency). This variant has not been reported in the literature in individuals affected with NDUFB8-related conditions. ClinVar contains an entry for this variant (Variation ID: 1418766). An algorithm developed to predict the effect of missense changes on protein structure and function (PolyPhen-2) suggests that this variant is likely to be disruptive. In summary, the available evidence is currently insufficient to determine the role of this variant in disease. Therefore, it has been classified as a Variant of Uncertain Significance.

NM_005004.4(NDUFB8):c.420G>T (p.Met140Ile)

Gene: NDUFB8 (NADH:ubiquinone oxidoreductase subunit B8; minus strand). Cytogenetic location: 10q24.31.
Variant type: single nucleotide variant.
Coding change: c.420G>T on transcript NM_005004.4 (MANE Select); coding-DNA position 420, G replaced by T.
Protein change: p.Met140Ile; replaces methionine 140 with isoleucine.
Molecular consequence: missense variant.
Genome position (GRCh38, 1-based): chr10:100,526,447, C>A on the plus strand (G>T on the coding strand, the complement: NDUFB8 is on the minus strand). VCF-style: chr10-100526447-C-A. GRCh37 (hg19) VCF-style: chr10-102286204-C-A.
Other names: c.420G>T, p.Met140Ile (NM_001284367.2); c.327G>T, p.Met109Ile (NM_001284368.1); short protein forms M109I, M140I.
Identifiers: ClinVar variation 1418766 (VCV001418766.8), dbSNP rs889334038, ClinGen allele CA212931746.